The following is an entry in ClinVar:

NM_006231.4(POLE):c.5608C>T (p.Arg1870Cys)

Gene: POLE (DNA polymerase epsilon, catalytic subunit; minus strand). Cytogenetic location: 12q24.33.
Variant type: single nucleotide variant.
Coding change: c.5608C>T on transcript NM_006231.4 (MANE Select); coding-DNA position 5608, C replaced by T.
Protein change: p.Arg1870Cys; replaces arginine 1870 with cysteine.
Molecular consequence: missense variant.
Genome position (GRCh38, 1-based): chr12:132,638,084, G>A on the plus strand (C>T on the coding strand, the complement: POLE is on the minus strand). VCF-style: chr12-132638084-G-A. GRCh37 (hg19) VCF-style: chr12-133214670-G-A.
Other names: c.5608C>T (NM_006231.2); short protein forms R1870C.
Identifiers: ClinVar variation 473750 (VCV000473750.20), dbSNP rs138231414, ClinGen allele CA6892462.
Genomic context (GRCh38, chr12:132,638,084, plus strand): 5'-TGTACTCCACGTAAGCGATGGCATCTTCCACACGGCGCTTCTTTGTACAGAGGATGATGC[G>A]GTTGAAGTTGGCGTAGATGACTGATGACCCCAGGCGCTTGAACTCAGCGATGAGCCTGTG-3'
Protein context (NP_006222.2, residues 1860-1880): GSSVIYANFN[Arg1870Cys]IILCTKKRRV

ClinVar aggregate classification (germline): Uncertain significance. Review status: criteria provided, multiple submitters, no conflicts (2 of 4 stars). 6 submissions from 6 submitters: Uncertain significance (5). 1 of the submissions does not count toward it. Last evaluated 2025-12-01.

Conditions:
POLE-related disorder. Also called: POLE-related condition; POLE-related disorders.
Intrauterine growth retardation, metaphyseal dysplasia, adrenal hypoplasia congenita, genital anomalies, and immunodeficiency. Also called: IMAGEI SYNDROME. Identifiers: MedGen C5193036, MONDO:0032684, OMIM 618336.
Colorectal cancer, susceptibility to, 12 (CRCS12). Also called: COLORECTAL CANCER, SUSCEPTIBILITY TO, ON CHROMOSOME 12q24. Identifiers: Orphanet 220460, MedGen C3554460, MONDO:0014038, OMIM 615083.
Facial dysmorphism-immunodeficiency-livedo-short stature syndrome. Also called: Facial dysmorphism, immunodeficiency, livedo, and short stature; FILS syndrome. Identifiers: Orphanet 352712, MedGen C3554576, MONDO:0014058, OMIM 615139.
Hereditary cancer-predisposing syndrome. Also called: Neoplastic Syndromes, Hereditary; Hereditary Cancer Syndrome; Tumor predisposition; Hereditary neoplastic syndrome. Identifiers: Orphanet 140162, MedGen C0027672, MeSH D009386, MONDO:0015356.

Allele frequency attached by ClinVar (database versions not stated): gnomAD 0.00001; gnomAD exomes 0.00001; TOPMed 0.00001; ExAC 0.00002; ESP Exome Variant Server 0.00008.
gnomAD v4.1: 9 of 1,613,838 alleles (0.00056%); highest among the groups gnomAD compares: East Asian, 0.0022%; no homozygotes.

Submissions (6):

Labcorp Genetics (formerly Invitae), Labcorp
Classification: Uncertain significance. Last evaluated: 2025-12-01. Review status: criteria provided, single submitter. Criteria: Invitae Variant Classification Sherloc (09022015). Collection method: clinical testing. Allele origin: germline.
Comment: This sequence change replaces arginine, which is basic and polar, with cysteine, which is neutral and slightly polar, at codon 1870 of the POLE protein (p.Arg1870Cys). This variant is present in population databases (rs138231414, gnomAD 0.004%). This variant has not been reported in the literature in individuals affected with POLE-related conditions. ClinVar contains an entry for this variant (Variation ID: 473750). Invitae Evidence Modeling of protein sequence and biophysical properties (such as structural, functional, and spatial information, amino acid conservation, physicochemical variation, residue mobility, and thermodynamic stability) indicates that this missense variant is not expected to disrupt POLE protein function with a negative predictive value of 80%. In summary, the available evidence is currently insufficient to determine the role of this variant in disease. Therefore, it has been classified as a Variant of Uncertain Significance.

Ambry Genetics
Classification: Uncertain significance for Hereditary cancer-predisposing syndrome. Last evaluated: 2025-04-09. Review status: criteria provided, single submitter. Criteria: Ambry Variant Classification Scheme 2023. Collection method: clinical testing. Allele origin: germline.
Comment: The p.R1870C variant (also known as c.5608C>T), located in coding exon 41 of the POLE gene, results from a C to T substitution at nucleotide position 5608. The arginine at codon 1870 is replaced by cysteine, an amino acid with highly dissimilar properties. This amino acid position is conserved. In addition, this alteration is predicted to be deleterious by in silico analysis. Based on the available evidence, the clinical significance of this variant remains unclear.

PreventionGenetics, part of Exact Sciences
Classification: Uncertain significance for POLE-related condition. Last evaluated: 2025-03-13. Review status: criteria provided, single submitter. Criteria: ACMG Guidelines, 2015. Collection method: clinical testing. Allele origin: germline.
Comment: The POLE c.5608C>T variant is predicted to result in the amino acid substitution p.Arg1870Cys. To our knowledge, this variant has not been reported in the literature. This variant is reported in 0.0062% of alleles in individuals of African descent in gnomAD and is classified as a variant of uncertain significance in ClinVar. At this time, the clinical significance of this variant is uncertain due to the absence of conclusive functional and genetic evidence.

Fulgent Genetics
Classification: Uncertain significance for Colorectal cancer, susceptibility to, 12; Facial dysmorphism-immunodeficiency-livedo-short stature syndrome; Intrauterine growth retardation, metaphyseal dysplasia, adrenal hypoplasia congenita, genital anomalies, and immunodeficiency. Last evaluated: 2024-01-02. Review status: criteria provided, single submitter. Criteria: ACMG Guidelines, 2015. Collection method: clinical testing. Allele origin: germline.

GeneDx
Classification: Uncertain significance. Last evaluated: 2019-11-04. Review status: criteria provided, single submitter. Criteria: GeneDx Variant Classification Process June 2021. Collection method: clinical testing. Allele origin: germline. Affected: yes.
Comment: In silico analysis, which includes protein predictors and evolutionary conservation, supports a deleterious effect; Has not been previously published as a pathogenic or benign germline variant to our knowledge; This variant is associated with the following publications: (PMID: 29056344, 31034466)

University of Washington Department of Laboratory Medicine, University of Washington
Classification: Likely benign for Colorectal cancer, susceptibility to, 12. Last evaluated: 2019-03-01. Review status: no assertion criteria provided. Collection method: research. Allele origin: paternal. Affected: no. Not counted in ClinVar's aggregate classification.
Comment: Computer software programs (SIFT, Polyphen-2, Align-GVGD) predict that this variant is likely to be damaging. However, this variant is not in the POLE exonuclease domain. While a complete picture of cancer risk associated with POLE is yet to be defined, many variants that are predicted to be deleterious but which are outside the POLE exonuclease domain have been identified that are none are associated with cancer risk. This variant does not segregate with colon polyps in one family that was evaluated. This evidence is consistent with a classification of likely benign. This analysis was performed in conjunction with the family studies as part of the University of Washington Find My Variant study.